The following is an entry in ClinVar:

ClinVar aggregate classification (germline): Likely benign (1 of 4 stars; one submission).

Conditions:
Breast-ovarian cancer, familial, susceptibility to, 1 (BROVCA1). Also called: BRCA1 Hereditary Breast and Ovarian Cancer; OVARIAN CANCER, SUSCEPTIBILITY TO. Identifiers: Orphanet 145, MedGen C2676676, MONDO:0011450, OMIM 604370. Disease mechanism: loss of function.

Allele frequency attached by ClinVar (database versions not stated): gnomAD exomes below 0.00001.
gnomAD v4.1: 1 of 1,614,226 alleles (0.000062%); highest among the groups gnomAD compares: Non-Finnish European, 0.000085%; no homozygotes.

Submission:

All of Us Research Program, National Institutes of Health
Classification: Likely benign for Breast-ovarian cancer, familial, susceptibility to, 1. Last evaluated: 2023-11-02. Review status: criteria provided, single submitter. Criteria: ACMG Guidelines, 2015. Collection method: clinical testing. Allele origin: germline. Inheritance: Autosomal dominant inheritance. Observed: 1 variant allele, 1 heterozygote.
Comment: This study involves interpretation of variants in research participants for the purpose of population health screening. Participant phenotype was not available at the time of variant classification. Additional details can be found in publication PMID: 35346344, PMCID: PMC8962531

NM_007294.4(BRCA1):c.3921T>C (p.Thr1307=)

Genes: BRCA1 (BRCA1 DNA repair associated; minus strand), LOC126862571 (BRD4-independent group 4 enhancer GRCh37_chr17:41243136-41244335; plus strand). Cytogenetic location: 17q21.31.
Variant type: single nucleotide variant.
Coding change: c.3921T>C on transcript NM_007294.4 (MANE Select); coding-DNA position 3921, T replaced by C.
Protein change: p.Thr1307=; no amino-acid change (threonine 1307 retained).
Molecular consequence: synonymous variant. On other transcripts: intron variant (135).
Genome position (GRCh38, 1-based): chr17:43,091,610, A>G on the plus strand (T>C on the coding strand, the complement: BRCA1 is on the minus strand). VCF-style: chr17-43091610-A-G. GRCh37 (hg19) VCF-style: chr17-41243627-A-G.
Other names: c.788-578T>C (NM_001407982.1, NM_001407970.1, NM_001407979.1 and 17 more transcripts); c.647-578T>C (NM_001408410.1, NM_001408458.1, NM_001408469.1 and 11 more transcripts); c.710-578T>C (NM_001408415.1, NM_001408411.1, NM_001408414.1 and 2 more transcripts); c.578-578T>C (NM_001408483.1, NM_001408514.1, NM_001408485.1 and 9 more transcripts); c.665-578T>C (NM_001408442.1, NM_001408426.1, NM_001408441.1 and 12 more transcripts); c.662-578T>C (NM_001408447.1, NM_001408433.1, NM_001408446.1 and 6 more transcripts); c.785-578T>C (NM_001408400.1, NM_001408392.1, NM_001407986.1 and 13 more transcripts); c.3921T>C, p.Thr1307= (NM_001407602.1, NM_001407603.1, NM_001407605.1 and 30 more transcripts); and 41 more.
Identifiers: ClinVar variation 3074307 (VCV003074307.1), dbSNP rs2154276907, ClinGen allele CA500232125.